The following is an entry in ClinVar:

NM_001851.6(COL9A1):c.1873-1G>C

Gene: COL9A1 (collagen type IX alpha 1 chain; minus strand). Cytogenetic location: 6q13.
Variant type: single nucleotide variant.
Coding change: c.1873-1G>C on transcript NM_001851.6 (MANE Select); the canonical splice acceptor site of the intron before coding-DNA position 1873, G replaced by C.
Molecular consequence: splice acceptor variant.
Genome position (GRCh38, 1-based): chr6:70,242,716, C>G on the plus strand (G>C on the coding strand, the complement: COL9A1 is on the minus strand). VCF-style: chr6-70242716-C-G. GRCh37 (hg19) VCF-style: chr6-70952419-C-G.
Other names: c.1144-1G>C (NM_001377290.1, NM_078485.4); c.1174-1G>C (NM_001377289.1).
Identifiers: ClinVar variation 3664560 (VCV003664560.2).

ClinVar aggregate classification (germline): Likely pathogenic (1 of 4 stars; one submission).

Submission:

Labcorp Genetics (formerly Invitae), Labcorp
Classification: Likely pathogenic. Last evaluated: 2024-09-04. Review status: criteria provided, single submitter. Criteria: Invitae Variant Classification Sherloc (09022015). Collection method: clinical testing. Allele origin: germline.
Comment: This sequence change affects an acceptor splice site in intron 28 of the COL9A1 gene. It is expected to disrupt RNA splicing. Variants that disrupt the donor or acceptor splice site typically lead to a loss of protein function (PMID: 16199547), and loss-of-function variants in COL9A1 are known to be pathogenic (PMID: 16909383, 21421862). This variant is not present in population databases (gnomAD no frequency). This variant has not been reported in the literature in individuals affected with COL9A1-related conditions. Algorithms developed to predict the effect of sequence changes on RNA splicing suggest that this variant may disrupt the consensus splice site. In summary, the currently available evidence indicates that the variant is pathogenic, but additional data are needed to prove that conclusively. Therefore, this variant has been classified as Likely Pathogenic.

Literature cited by the submitters: PubMed 16199547; PubMed 16909383; PubMed 21421862.